The following is an entry in ClinVar:

ClinVar aggregate classification (germline): Pathogenic. Review status: criteria provided, multiple submitters, no conflicts (2 of 4 stars). 5 submissions from 5 submitters: Pathogenic (3). 2 of the submissions do not count toward it. Last evaluated 2024-04-01.

Conditions:
Complex neurodevelopmental disorder with or without congenital anomalies. Identifiers: MedGen CN315647, MONDO:0100465.
Intellectual developmental disorder with hypotonia and behavioral abnormalities. Identifiers: MedGen C5231489, MONDO:0032897, OMIM 618748.

Allele frequency attached by ClinVar (database versions not stated): TOPMed below 0.00001.
gnomAD v4.1: 4 of 1,440,984 alleles (0.00028%); highest among the groups gnomAD compares: Non-Finnish European, 0.00037%; no homozygotes.

Submissions (5):

Daryl Scott Lab, Baylor College of Medicine
Classification: Pathogenic for Intellectual developmental disorder with hypotonia and behavioral abnormalities. Last evaluated: 2024-04-01. Review status: criteria provided, single submitter. Criteria: ACMG Guidelines, 2015. Collection method: research. Allele origin: unknown. Affected: yes. Observed: 1 heterozygote.
Comment: PS2, PS3, PM2, PP3

Molecular Genetics, Royal Melbourne Hospital
Classification: Pathogenic for Complex neurodevelopmental disorder with or without congenital anomalies. Last evaluated: 2023-06-06. Review status: criteria provided, single submitter. Criteria: ACMG Guidelines, 2015. Collection method: clinical testing. Allele origin: germline. Affected: yes.
Comment: This sequence change in CDK8 is predicted to replace serine with leucine at codon 62, p.(Ser62Leu). The serine residue is highly conserved (97/97 vertebrates, UCSC), and is located in the protein kinase domain. There is a large physicochemical difference between serine and leucine. CDK8, in which the variant was identified, is a gene that has a low rate of benign missense variation and where pathogenic missense variants are a common mechanism of disease (gnomAD v2.1 missense constraint). This variant is absent from the population database gnomAD v2.1 and v3.1. This variant has been identified as a de novo occurrence with confirmed parental relationships in four individuals, as a de novo occurrence with unconfirmed parental relationships in five individuals, and expected de novo with unknown inheritance in two individuals, all with a syndromic neurodevelopmental disorder (PMID: 30905399, 33958710; DECIPHER patient: 293709, 409614; ClinVar: SCV001430065.1, SCV001439334.1, SCV002075047.1). Phosphorylation assays in a mammalian cell line showed reduced STAT1 phosphorylation indicating that this variant impacts protein function (PMID: 30905399). Computational evidence predicts a deleterious effect for the missense substitution (REVEL = 0.644). Based on the classification scheme RMH Modified ACMG/AMP Guidelines v1.6.1, this variant is classified as PATHOGENIC. Following criteria are met: PS2/PM6_VeryStrong, PS3_Supporting, PS4_Supporting, PM2_Supporting, PP2, PP3.

Institute of Human Genetics Munich, TUM University Hospital
Classification: Pathogenic for Intellectual developmental disorder with hypotonia and behavioral abnormalities. Last evaluated: 2020-03-26. Review status: criteria provided, single submitter. Criteria: Classification criteria August 2017. Collection method: clinical testing. Allele origin: de novo. Inheritance: Autosomal dominant inheritance. Affected: yes. Observed: 1 heterozygote.

OMIM
Classification: Pathogenic for INTELLECTUAL DEVELOPMENTAL DISORDER WITH HYPOTONIA AND BEHAVIORAL ABNORMALITIES. Last evaluated: 2023-09-11. Review status: no assertion criteria provided. Collection method: literature only. Allele origin: germline. Not counted in ClinVar's aggregate classification.

Equipe Genetique des Anomalies du Developpement, Université de Bourgogne
Classification: Pathogenic for Intellectual developmental disorder with hypotonia and behavioral abnormalities. Last evaluated: 2020-07-29. Review status: no assertion criteria provided. Collection method: clinical testing. Allele origin: de novo. Affected: yes. Not counted in ClinVar's aggregate classification.

Literature cited by the submitters: PubMed 30905399 (cited by Molecular Genetics, Royal Melbourne Hospital); PubMed 33958710 (cited by Molecular Genetics, Royal Melbourne Hospital); Calpena, E., Hervieu, A., Kaserer, T., Swagemakers, S. M. A., Goos, J. A. C., Popoola, O., Ortiz-Ruiz, M. J., Barbaro-Dieber, T., Bownass, L., Brilstra, E. H., Brimble, E., Foulds, N., and 19 others De novo missense substitutions in the gene encoding CDK8, a regulator of the mediator complex, cause a syndromic developmental disorder. Am. J. Hum. Genet. 104: 709-720, 2019. (cited by OMIM).

NM_001260.3(CDK8):c.185C>T (p.Ser62Leu)

Gene: CDK8 (cyclin dependent kinase 8; plus strand). Cytogenetic location: 13q12.13.
Variant type: single nucleotide variant.
Coding change: c.185C>T on transcript NM_001260.3 (MANE Select); coding-DNA position 185, C replaced by T.
Protein change: p.Ser62Leu; replaces serine 62 with leucine.
Molecular consequence: missense variant. On other transcripts: 5 prime UTR variant (1).
Genome position (GRCh38, 1-based): chr13:26,337,623, C>T. VCF-style: chr13-26337623-C-T. GRCh37 (hg19) VCF-style: chr13-26911760-C-T.
Other names: c.185C>T, p.Ser62Leu (NM_001318368.2); c.-277C>T (NM_001346501.2); short protein forms S62L.
Identifiers: ClinVar variation 805981 (VCV000805981.11), dbSNP rs1565977796, ClinGen allele CA387682576.
Genomic context (GRCh38, chr13:26,337,623, plus strand): 5'-ACAGGAAGGATGATAAAGACTATGCTTTAAAACAAATAGAAGGAACTGGGATCTCTATGT[C>T]GGCATGTAGAGAAATAGCAGTAAGTGAAGTTCTTTTTATCATCGTTATTATCAACTGACT-3'
Protein context (NP_001251.1, residues 52-72): KQIEGTGISM[Ser62Leu]ACREIALLRE